The following is an entry in ClinVar:

ClinVar aggregate classification (germline): Likely benign (0 of 4 stars; one submission).

Conditions:
SLC34A3-related disorder. Also called: SLC34A3-related condition.

Submission:

PreventionGenetics, part of Exact Sciences
Classification: Likely benign for SLC34A3-related condition. Last evaluated: 2021-05-18. Review status: no assertion criteria provided. Collection method: clinical testing. Allele origin: germline.
Comment: This variant is classified as likely benign based on ACMG/AMP sequence variant interpretation guidelines (Richards et al. 2015 PMID: 25741868, with internal and published modifications).

NM_001177316.2(SLC34A3):c.925+11_925+12insGC

Gene: SLC34A3 (solute carrier family 34 member 3; plus strand). Cytogenetic location: 9q34.3.
Variant type: Insertion.
Coding change: c.925+11_925+12insGC on transcript NM_001177316.2 (MANE Select); bases 11 to 12 of the intron after coding-DNA position 925, GC inserted.
Molecular consequence: intron variant.
Genome position: GRCh38 VCF-style: chr9-137233952-G-GGC. GRCh37 (hg19) VCF-style: chr9-140128404-G-GGC.
Other names: c.925+11_925+12insGC (NM_080877.3, NM_001177317.2).
Identifiers: ClinVar variation 3034438 (VCV003034438.2), dbSNP rs1836408924, ClinGen allele CA591373913.